The following is an entry in ClinVar:

NM_018671.5(UNC45A):c.14dup (p.Pro6fs)

Genes: UNC45A (unc-45 myosin chaperone A; plus strand), LOC130057954 (ATAC-STARR-seq lymphoblastoid silent region 6833; plus strand). Cytogenetic location: 15q26.1.
Variant type: Duplication.
Coding change: c.14dup on transcript NM_018671.5 (MANE Select); coding-DNA position 14, one base duplicated (G; older notation c.14dupG).
Protein change: p.Pro6fs; shifts the reading frame from proline 6.
Molecular consequence: frameshift variant. On other transcripts: 5 prime UTR variant (1), intron variant (2).
Genome position (GRCh38, 1-based): chr15:90,935,338, G duplicated; the last of 2 consecutive G bases (chr15:90,935,337-90,935,338); duplicating either gives the same sequence. VCF-style (leftmost placement, unchanged base first): chr15-90935336-T-TG. GRCh37 (hg19) VCF-style: chr15-91478566-T-TG.
Other names: c.14dup, p.Pro6fs (NM_001323619.1); c.-570dup (NM_001323620.2); c.6+8dup (NM_001039675.2, NM_001323621.2); short protein forms P6fs.
Identifiers: ClinVar variation 1955253 (VCV001955253.3), dbSNP rs779389853, ClinGen allele CA7742372.
Genomic context (GRCh38, chr15:90,935,336, plus strand): 5'-CCCCGCCCCAGAGACTGCGCCTGCGCGGGCACGAGACAACCTCTCCGCGATGACTGTGAG[T>TG]GGTCCAGGGACCCCCGAGCCCCGGCCGGCCACCCCCGGGGTGCGTACCCAACCCCCGCGC-3'

ClinVar aggregate classification (germline): Uncertain significance (1 of 4 stars; one submission).

Submission:

Labcorp Genetics (formerly Invitae), Labcorp
Classification: Uncertain significance. Last evaluated: 2022-01-31. Review status: criteria provided, single submitter. Criteria: Invitae Variant Classification Sherloc (09022015). Collection method: clinical testing. Allele origin: germline.
Comment: In summary, the available evidence is currently insufficient to determine the role of this variant in disease. Therefore, it has been classified as a Variant of Uncertain Significance. This variant has not been reported in the literature in individuals affected with UNC45A-related conditions. This variant is present in population databases (rs779389853, gnomAD 0.01%). This sequence change creates a premature translational stop signal (p.Pro6Serfs*25) in the UNC45A gene. It is expected to result in an absent or disrupted protein product. However, the current clinical and genetic evidence is not sufficient to establish whether loss-of-function variants in UNC45A cause disease.